The following is an entry in ClinVar:

NM_201384.3(PLEC):c.8872A>G (p.Ile2958Val)

Gene: PLEC (plectin; minus strand). Cytogenetic location: 8q24.3.
Variant type: single nucleotide variant.
Coding change: c.8872A>G on transcript NM_201384.3 (MANE Select); coding-DNA position 8872, A replaced by G.
Protein change: p.Ile2958Val; replaces isoleucine 2958 with valine.
Molecular consequence: missense variant.
Genome position (GRCh38, 1-based): chr8:143,920,949, T>C on the plus strand (A>G on the coding strand, the complement: PLEC is on the minus strand). VCF-style: chr8-143920949-T-C. GRCh37 (hg19) VCF-style: chr8-144995117-T-C.
Other names: c.8953A>G, p.Ile2985Val (NM_000445.5); c.8830A>G, p.Ile2944Val (NM_201378.4); c.8806A>G, p.Ile2936Val (NM_201379.3); c.9283A>G, p.Ile3095Val (NM_201380.4); c.8776A>G, p.Ile2926Val (NM_201381.3); c.8872A>G, p.Ile2958Val (NM_201382.4); c.8884A>G, p.Ile2962Val (NM_201383.3); short protein forms I2926V, I2936V, I2958V, I2985V, I2962V, I3095V, I2944V.
Identifiers: ClinVar variation 1481611 (VCV001481611.6), dbSNP rs782699278, ClinGen allele CA4925152.

ClinVar aggregate classification (germline): Uncertain significance (1 of 4 stars; one submission).

Conditions:
Autosomal recessive limb-girdle muscular dystrophy type 2Q (LGMDR17). Also called: MUSCULAR DYSTROPHY, LIMB-GIRDLE, AUTOSOMAL RECESSIVE 17. Identifiers: Orphanet 254361, MedGen C3150989, MONDO:0013390, OMIM 613723.
Epidermolysis bullosa simplex 5B, with muscular dystrophy (EBS5B). Also called: EPIDERMOLYSIS BULLOSA SIMPLEX AND LIMB-GIRDLE MUSCULAR DYSTROPHY; Epidermolysis bullosa simplex with muscular dystrophy. Identifiers: Orphanet 257, MedGen C2931072, MONDO:0009181, OMIM 226670.
Epidermolysis bullosa simplex, Ogna type (EBS5A). Also called: Pidermolysis bullosa simplex 5A, Ogna type; EPIDERMOLYSIS BULLOSA SIMPLEX 5A, OGNA TYPE. Identifiers: Orphanet 79401, MedGen C0432317, MONDO:0007555, OMIM 131950.
Epidermolysis bullosa simplex with nail dystrophy (EBS5D). Identifiers: MedGen C4225309, MONDO:0014661, OMIM 616487.
Epidermolysis bullosa simplex 5C, with pyloric atresia (EBS5C). Also called: Epidermolysis bullosa simplex with pyloric atresia; PLEC1-Related Epidermolysis Bullosa with Pyloric Atresia; PLEC-Related Epidermolysis Bullosa with Pyloric Atresia. Identifiers: Orphanet 158684, MedGen C2677349, MONDO:0012807, OMIM 612138.

Allele frequency attached by ClinVar (database versions not stated): gnomAD exomes 0.00001 and 0.00002; ExAC 0.00003.
gnomAD v4.1: 5 of 1,612,978 alleles (0.00031%); highest among the groups gnomAD compares: Admixed American, 0.0083%; no homozygotes.

Submission:

Labcorp Genetics (formerly Invitae), Labcorp
Classification: Uncertain significance for Autosomal recessive limb-girdle muscular dystrophy type 2Q; Epidermolysis bullosa simplex, Ogna type; Epidermolysis bullosa simplex with nail dystrophy; Epidermolysis bullosa simplex 5C, with pyloric atresia; Epidermolysis bullosa simplex 5B, with muscular dystrophy. Last evaluated: 2025-10-10. Review status: criteria provided, single submitter. Criteria: Invitae Variant Classification Sherloc (09022015). Collection method: clinical testing. Allele origin: germline.
Comment: This sequence change replaces isoleucine, which is neutral and non-polar, with valine, which is neutral and non-polar, at codon 2985 of the PLEC protein (p.Ile2985Val). This variant is present in population databases (rs782699278, gnomAD 0.01%). This variant has not been reported in the literature in individuals affected with PLEC-related conditions. ClinVar contains an entry for this variant (Variation ID: 1481611). An algorithm developed to predict the effect of missense changes on protein structure and function (PolyPhen-2) suggests that this variant is likely to be tolerated. In summary, the available evidence is currently insufficient to determine the role of this variant in disease. Therefore, it has been classified as a Variant of Uncertain Significance.